The following is an entry in ClinVar:

ClinVar aggregate classification (germline): Uncertain significance (1 of 4 stars; one submission).

Conditions:
Perlman syndrome (PRLMNS). Identifiers: Orphanet 2849, MedGen C0796113, MONDO:0009965, OMIM 267000.

Submission:

Labcorp Genetics (formerly Invitae), Labcorp
Classification: Uncertain significance for Perlman syndrome. Last evaluated: 2022-08-07. Review status: criteria provided, single submitter. Criteria: Invitae Variant Classification Sherloc (09022015). Collection method: clinical testing. Allele origin: germline.
Comment: This sequence change replaces alanine, which is neutral and non-polar, with serine, which is neutral and polar, at codon 605 of the DIS3L2 protein (p.Ala605Ser). This variant is not present in population databases (gnomAD no frequency). This variant has not been reported in the literature in individuals affected with DIS3L2-related conditions. Algorithms developed to predict the effect of missense changes on protein structure and function (SIFT, PolyPhen-2, Align-GVGD) all suggest that this variant is likely to be disruptive. Algorithms developed to predict the effect of sequence changes on RNA splicing suggest that this variant may disrupt the consensus splice site. In summary, the available evidence is currently insufficient to determine the role of this variant in disease. Therefore, it has been classified as a Variant of Uncertain Significance.

NM_152383.5(DIS3L2):c.1813G>T (p.Ala605Ser)

Gene: DIS3L2 (DIS3 like 3'-5' exoribonuclease 2; plus strand). Cytogenetic location: 2q37.1.
Variant type: single nucleotide variant.
Coding change: c.1813G>T on transcript NM_152383.5 (MANE Select); coding-DNA position 1813, G replaced by T.
Protein change: p.Ala605Ser; replaces alanine 605 with serine.
Molecular consequence: missense variant. On other transcripts: non-coding transcript variant (2), intron variant (1).
Genome position (GRCh38, 1-based): chr2:232,329,886, G>T. VCF-style: chr2-232329886-G-T. GRCh37 (hg19) VCF-style: chr2-233194596-G-T.
Other names: c.1582-13459G>T (NM_001257281.2); short protein forms A605S.
Identifiers: ClinVar variation 2078842 (VCV002078842.4), dbSNP rs2469434236, ClinGen allele CA350976076.
Genomic context (GRCh38, chr2:232,329,886, plus strand): 5'-TTCATGCTCTTGGCCAACATGGCAGTGGCCCACAAGATCCACCGCGCCTTCCCCGAGCAG[G>T]CCCTGCTGCGCCGGCACCCCCCGCCCCAAACAAGGATGCTCAGTGACCTGGTGGAATTCT-3'
Protein context (NP_689596.4, residues 595-615): HKIHRAFPEQ[Ala605Ser]LLRRHPPPQT